The following is an entry in ClinVar:

NM_005094.4(SLC27A4):c.916_919del (p.Met306fs)

Gene: SLC27A4 (solute carrier family 27 member 4; plus strand). Cytogenetic location: 9q34.11.
Variant type: Deletion.
Coding change: c.916_919del on transcript NM_005094.4 (MANE Select); coding-DNA positions 916 to 919, 4 bases deleted (ATGA; older notation c.916_919delATGA).
Protein change: p.Met306fs; shifts the reading frame from methionine 306.
Molecular consequence: frameshift variant.
Genome position (GRCh38, 1-based): chr9:128,352,676-128,352,679, ATGA deleted. VCF-style (leftmost placement, unchanged base first): chr9-128352675-CATGA-C. GRCh37 (hg19) VCF-style: chr9-131114954-CATGA-C.
Other names: short protein forms M306fs.
Identifiers: ClinVar variation 3657765 (VCV003657765.2).

ClinVar aggregate classification (germline): Pathogenic (1 of 4 stars; one submission).

Submission:

Labcorp Genetics (formerly Invitae), Labcorp
Classification: Pathogenic. Last evaluated: 2024-08-13. Review status: criteria provided, single submitter. Criteria: Invitae Variant Classification Sherloc (09022015). Collection method: clinical testing. Allele origin: germline.
Comment: This sequence change creates a premature translational stop signal (p.Met306Argfs*3) in the SLC27A4 gene. It is expected to result in an absent or disrupted protein product. Loss-of-function variants in SLC27A4 are known to be pathogenic (PMID: 19631310, 21450060). This variant is not present in population databases (gnomAD no frequency). This variant has not been reported in the literature in individuals affected with SLC27A4-related conditions. For these reasons, this variant has been classified as Pathogenic.

Literature cited by the submitters: PubMed 19631310; PubMed 21450060.